The following is an entry in ClinVar:

NC_000016.10:g.67660358G>A

Genes: ACD (ACD shelterin complex subunit and telomerase recruitment factor; minus strand), LOC130059224 (ATAC-STARR-seq lymphoblastoid silent region 7617; plus strand). Cytogenetic location: 16q22.1.
Variant type: single nucleotide variant.
Genome position: GRCh38 VCF-style: chr16-67660358-G-A. GRCh37 (hg19) VCF-style: chr16-67694261-G-A.
Identifiers: ClinVar variation 1008057 (VCV001008057.7), dbSNP rs1347436636, ClinGen allele CA396359693.

ClinVar aggregate classification (germline): Uncertain significance (1 of 4 stars; one submission).

Conditions:
Dyskeratosis congenita, autosomal dominant 6 (DKCA6). Identifiers: Orphanet 3322, MedGen C4225284, MONDO:0014690, OMIM 616553.

Submission:

Labcorp Genetics (formerly Invitae), Labcorp
Classification: Uncertain significance for Dyskeratosis congenita, autosomal dominant 6. Last evaluated: 2020-07-20. Review status: criteria provided, single submitter. Criteria: Invitae Variant Classification Sherloc (09022015). Collection method: clinical testing. Allele origin: germline.
Comment: Algorithms developed to predict the effect of sequence changes on RNA splicing suggest that this variant may create or strengthen a splice site, but this prediction has not been confirmed by published transcriptional studies. In summary, the available evidence is currently insufficient to determine the role of this variant in disease. Therefore, it has been classified as a Variant of Uncertain Significance. The current clinical and genetic evidence is not sufficient to establish whether loss-of-function variants in ACD cause disease. This variant has not been reported in the literature in individuals with ACD-related conditions. This variant is not present in population databases (ExAC no frequency). This sequence change creates a premature translational stop signal (p.Gln41*) in the ACD gene. It is expected to result in an absent or disrupted protein product.